The following is an entry in ClinVar:

NM_018417.6(ADCY10):c.2414T>A (p.Leu805Gln)

Gene: ADCY10 (adenylate cyclase 10; minus strand). Cytogenetic location: 1q24.2.
Variant type: single nucleotide variant.
Coding change: c.2414T>A on transcript NM_018417.6 (MANE Select); coding-DNA position 2414, T replaced by A.
Protein change: p.Leu805Gln; replaces leucine 805 with glutamine.
Molecular consequence: missense variant.
Genome position (GRCh38, 1-based): chr1:167,848,384, A>T on the plus strand (T>A on the coding strand, the complement: ADCY10 is on the minus strand). VCF-style: chr1-167848384-A-T. GRCh37 (hg19) VCF-style: chr1-167817622-A-T.
Other names: c.1955T>A, p.Leu652Gln (NM_001167749.3); c.2138T>A, p.Leu713Gln (NM_001297772.2); short protein forms L805Q, L652Q, L713Q.
Identifiers: ClinVar variation 2585454 (VCV002585454.1), dbSNP rs2525235638, ClinGen allele CA343085188.
Genomic context (GRCh38, chr1:167,848,384, plus strand): 5'-CAGGCGTGAGCCACTGCGCCCGGCCAGATTTTCTTACCTTTTAATGACGTTGGAGGTGAC[A>T]GGTTTTTCAGTCTGACACCACTTGTGAGGTGACAGACTTCTTCACTTTCCTTATCACTAT-3'
Protein context (NP_060887.2, residues 795-815): HLTSGVRLKN[Leu805Gln]SPPTSLKEIS

ClinVar aggregate classification (germline): Uncertain significance (1 of 4 stars; one submission).

Conditions:
Familial idiopathic hypercalciuria (HCA2). Also called: Hypercalciuria, absorptive, 2; Hypercalciuria, absorptive, susceptibility to. Identifiers: MedGen C0342639, MONDO:0007748, OMIM 143870.

Submission:

Neuberg Centre For Genomic Medicine, NCGM
Classification: Uncertain significance for Familial idiopathic hypercalciuria. Review status: criteria provided, single submitter. Criteria: ACMG Guidelines, 2015. Collection method: clinical testing. Allele origin: germline. Inheritance: Autosomal dominant inheritance. Affected: yes.
Comment: The missense variant in c.1621A>G (p.Asn541Asp) in CACNA1E gene has not been reported previously as a pathogenic variant nor as a benign variant, to our knowledge. The p.Leu805Gln variant is novel (not in any individuals) in gnomAD Exomes and 1000 Genomes. The amino acid Leu at position 805 is changed to a Gln changing protein sequence and it might alter its composition and physico-chemical properties. The variant is predicted to be damaging by both SIFT and PolyPhen2. The residue is conserved across species. The amino acid change p.Leu805Gln in ADCY10